The following is an entry in ClinVar:

NM_032951.3(MLXIPL):c.1154G>A (p.Arg385Gln)

Gene: MLXIPL (MLX interacting protein like; minus strand). Cytogenetic location: 7q11.23.
Variant type: single nucleotide variant.
Coding change: c.1154G>A on transcript NM_032951.3 (MANE Select); coding-DNA position 1154, G replaced by A.
Protein change: p.Arg385Gln; replaces arginine 385 with glutamine.
Molecular consequence: missense variant. On other transcripts: non-coding transcript variant (1).
Genome position (GRCh38, 1-based): chr7:73,597,631, C>T on the plus strand (G>A on the coding strand, the complement: MLXIPL is on the minus strand). VCF-style: chr7-73597631-C-T. GRCh37 (hg19) VCF-style: chr7-73011961-C-T.
Other names: c.1154G>A, p.Arg385Gln (NM_032952.3, NM_032953.3, NM_032954.3); short protein forms R385Q.
Identifiers: ClinVar variation 2591748 (VCV002591748.7), dbSNP rs782340951, ClinGen allele CA4289275.
Genomic context (GRCh38, chr7:73,597,631, plus strand): 5'-GGCACCTTGGCAGGGGGAGGGTAATGCAGCAGAGGTGGGGGTACAGGAGGGGGTGGGAGC[C>T]GGGGCTTGGGGTCTTCAGGAAGGAGGAAATCAGAACTCAGGAAGGCGCTGGAGTCCAAGG-3'
Protein context (NP_116569.1, residues 375-395): DFLLPEDPKP[Arg385Gln]LPPPPVPPPL

ClinVar aggregate classification (germline): Uncertain significance. Review status: criteria provided, multiple submitters, no conflicts (2 of 4 stars). 2 submissions from 2 submitters: Uncertain significance (2). Last evaluated 2026-03-01.

Allele frequency attached by ClinVar (database versions not stated): ExAC 0.00005; gnomAD exomes 0.00030.
gnomAD v4.1: 345 of 1,295,514 alleles (0.027%); highest among the groups gnomAD compares: Non-Finnish European, 0.032%; no homozygotes.

Submissions (2):

CeGaT Center for Human Genetics Tuebingen
Classification: Uncertain significance. Last evaluated: 2026-03-01. Review status: criteria provided, single submitter. Criteria: CeGaT Center For Human Genetics Tuebingen Variant Classification Criteria Version 2. Collection method: clinical testing. Allele origin: germline. Affected: yes. Observed: 1 variant allele.
Comment: MLXIPL: PM2, BP4

Ambry Genetics
Classification: Uncertain significance. Last evaluated: 2025-08-28. Review status: criteria provided, single submitter. Criteria: Ambry Variant Classification Scheme 2023. Collection method: clinical testing. Allele origin: germline.